The following is an entry in ClinVar:

ClinVar aggregate classification (germline): Uncertain significance (1 of 4 stars; one submission).

Conditions:
TTC8-related disorder. Also called: TTC8-related condition.

Submission:

PreventionGenetics, part of Exact Sciences
Classification: Uncertain significance for TTC8-related condition. Last evaluated: 2025-06-04. Review status: criteria provided, single submitter. Criteria: ACMG Guidelines, 2015. Collection method: clinical testing. Allele origin: germline.
Comment: The TTC8 c.19G>C variant is predicted to result in the amino acid substitution p.Val7Leu. To our knowledge, this variant has not been reported in the literature or in a large population database (gnomAD), indicating this variant is rare. At this time, the clinical significance of this variant is uncertain due to the absence of conclusive functional and genetic evidence.

NM_144596.4(TTC8):c.579+32G>C

Gene: TTC8 (tetratricopeptide repeat domain 8; plus strand). Cytogenetic location: 14q31.3.
Variant type: single nucleotide variant.
Coding change: c.579+32G>C on transcript NM_144596.4 (MANE Select); 32 bases into the intron after coding-DNA position 579, G replaced by C.
Molecular consequence: intron variant. On other transcripts: missense variant (1).
Genome position (GRCh38, 1-based): chr14:88,841,546, G>C. VCF-style: chr14-88841546-G-C. GRCh37 (hg19) VCF-style: chr14-89307890-G-C.
Other names: c.19G>C, p.Val7Leu (NM_001288782.1); c.549+32G>C (NM_001288781.1, NM_198309.3, NM_001366535.2); c.-199+350G>C (NM_001288783.1); c.459+350G>C (NM_198310.3, NM_001366536.2); short protein forms V7L.
Identifiers: ClinVar variation 4984820 (VCV004984820.1).
Genomic context (GRCh38, chr14:88,841,546, plus strand): 5'-AGTATTCCCAGAAACCTAAGTTGGCAAAGGTATGTACTTAAAATGATTTTGAGTTATGAA[G>C]TAATATTACACGTATGATGATAATGACAAATTAGAAAATGAATAAAAACTTGTGAAGGAA-3'